The following is an entry in ClinVar:

NM_000051.4(ATM):c.6771A>T (p.Glu2257Asp)

Genes: ATM (ATM serine/threonine kinase; plus strand), C11orf65 (chromosome 11 open reading frame 65; minus strand). Cytogenetic location: 11q22.3.
Variant type: single nucleotide variant.
Coding change: c.6771A>T on transcript NM_000051.4 (MANE Select); coding-DNA position 6771, A replaced by T.
Protein change: p.Glu2257Asp; replaces glutamic acid 2257 with aspartic acid.
Molecular consequence: missense variant. On other transcripts: intron variant (2).
Genome position (GRCh38, 1-based): chr11:108,325,508, A>T. VCF-style: chr11-108325508-A-T. GRCh37 (hg19) VCF-style: chr11-108196235-A-T.
Other names: c.6771A>T, p.Glu2257Asp (NM_001351834.2); c.641-16437T>A (NM_001330368.2); c.*38+9712T>A (NM_001351110.2); short protein forms E2257D.
Identifiers: ClinVar variation 959733 (VCV000959733.10), dbSNP rs2085579349, ClinGen allele CA382555406.

ClinVar aggregate classification (germline): Uncertain significance (1 of 4 stars; one submission).

Conditions:
Ataxia-telangiectasia syndrome (AT). Also called: Ataxia-telangiectasia, complementation group D; AT, COMPLEMENTATION GROUP C; ATAXIA-TELANGIECTASIA, COMPLEMENTATION GROUP A; ATAXIA-TELANGIECTASIA, FRESNO VARIANT; Ataxia-telangiectasia; Ataxia telangiectasia (A-T). Identifiers: Orphanet 100, MedGen C0004135, MONDO:0008840, OMIM 208900.

Submission:

Labcorp Genetics (formerly Invitae), Labcorp
Classification: Uncertain significance for Ataxia-telangiectasia syndrome. Last evaluated: 2019-08-08. Review status: criteria provided, single submitter. Criteria: Invitae Variant Classification Sherloc (09022015). Collection method: clinical testing. Allele origin: germline.
Comment: This sequence change replaces glutamic acid with aspartic acid at codon 2257 of the ATM protein (p.Glu2257Asp). The glutamic acid residue is moderately conserved and there is a small physicochemical difference between glutamic acid and aspartic acid. This variant is not present in population databases (ExAC no frequency). This variant has not been reported in the literature in individuals with ATM-related conditions. Algorithms developed to predict the effect of missense changes on protein structure and function (SIFT, PolyPhen-2, Align-GVGD) all suggest that this variant is likely to be tolerated, but these predictions have not been confirmed by published functional studies and their clinical significance is uncertain. In summary, the available evidence is currently insufficient to determine the role of this variant in disease. Therefore, it has been classified as a Variant of Uncertain Significance.